The following is an entry in ClinVar:

NM_182961.4(SYNE1):c.14319A>T (p.Leu4773Phe)

Gene: SYNE1 (spectrin repeat containing nuclear envelope protein 1; minus strand). Cytogenetic location: 6q25.2.
Variant type: single nucleotide variant.
Coding change: c.14319A>T on transcript NM_182961.4 (MANE Select); coding-DNA position 14319, A replaced by T.
Protein change: p.Leu4773Phe; replaces leucine 4773 with phenylalanine.
Molecular consequence: missense variant.
Genome position (GRCh38, 1-based): chr6:152,330,366, T>A on the plus strand (A>T on the coding strand, the complement: SYNE1 is on the minus strand). VCF-style: chr6-152330366-T-A. GRCh37 (hg19) VCF-style: chr6-152651501-T-A.
Other names: c.14106A>T, p.Leu4702Phe (NM_033071.5); short protein forms L4702F, L4773F.
Identifiers: ClinVar variation 2949552 (VCV002949552.3), dbSNP rs777248078, ClinGen allele CA366098098.

ClinVar aggregate classification (germline): Uncertain significance (1 of 4 stars; one submission).

Conditions:
Emery-Dreifuss muscular dystrophy 4, autosomal dominant (EDMD4). Also called: EMERY-DREIFUSS MUSCULAR DYSTROPHY 4 WITH VARIABLE FEATURES. Identifiers: Orphanet 261, MedGen C2751807, MONDO:0013071, OMIM 612998.
Autosomal recessive ataxia, Beauce type. Also called: SYNE1-Related Autosomal Recessive Cerebellar Ataxia; SYNE1 Deficiency; Spinocerebellar ataxia, autosomal recessive 8; ATAXIA, RECESSIVE, OF BEAUCE. Identifiers: Orphanet 88644, MedGen C1853116, MONDO:0012549, OMIM 610743.

Submission:

Labcorp Genetics (formerly Invitae), Labcorp
Classification: Uncertain significance for Emery-Dreifuss muscular dystrophy 4, autosomal dominant; Autosomal recessive ataxia, Beauce type. Last evaluated: 2023-07-17. Review status: criteria provided, single submitter. Criteria: Invitae Variant Classification Sherloc (09022015). Collection method: clinical testing. Allele origin: germline.
Comment: This variant is not present in population databases (gnomAD no frequency). This sequence change replaces leucine, which is neutral and non-polar, with phenylalanine, which is neutral and non-polar, at codon 4702 of the SYNE1 protein (p.Leu4702Phe). This variant has not been reported in the literature in individuals affected with SYNE1-related conditions. In summary, the available evidence is currently insufficient to determine the role of this variant in disease. Therefore, it has been classified as a Variant of Uncertain Significance. An algorithm developed to predict the effect of missense changes on protein structure and function (PolyPhen-2) suggests that this variant is likely to be tolerated.